The following is an entry in ClinVar:

ClinVar aggregate classification (germline): Likely pathogenic (1 of 4 stars; one submission).

Conditions:
Hereditary nonpolyposis colorectal neoplasms. Identifiers: MedGen C0009405, MeSH D003123.

Submission:

Labcorp Genetics (formerly Invitae), Labcorp
Classification: Likely pathogenic for Hereditary nonpolyposis colon cancer. Last evaluated: 2019-08-29. Review status: criteria provided, single submitter. Criteria: Invitae Variant Classification Sherloc (09022015). Collection method: clinical testing. Allele origin: germline.
Comment: This variant results in a copy number gain of the genomic region encompassing exons 12-14 of the PMS2 gene. While the exact position of this variant cannot be determined from this data, sub-genic copy number gains are generally in tandem (PMID: 25640679) and may result in an absent or disrupted protein product. This variant has not been reported in the literature in individuals with PMS2-related conditions. Loss-of-function variants in PMS2 are known to be pathogenic (PMID: 21376568, 24362816). In summary, the currently available evidence indicates that the variant is pathogenic, but additional data are needed to prove that conclusively. Therefore, this variant has been classified as Likely Pathogenic.

NC_000007.14:g.(?_5977578)_(5983001_?)dup

Gene: PMS2 (PMS1 homolog 2, mismatch repair system component; minus strand). Cytogenetic location: 7p22.1.
Variant type: Duplication.
Identifiers: ClinVar variation 831582 (VCV000831582.1).